The following is an entry in ClinVar:

ClinVar aggregate classification (germline): Uncertain significance. Review status: criteria provided, multiple submitters, no conflicts (2 of 4 stars). 2 submissions from 2 submitters: Uncertain significance (2). Last evaluated 2024-12-18.

Conditions:
Inborn genetic diseases. Identifiers: MedGen C0950123, MeSH D030342.

Allele frequency attached by ClinVar (database versions not stated): TOPMed below 0.00001; gnomAD exomes 0.00002; ExAC 0.00003.

Submissions (2):

Labcorp Genetics (formerly Invitae), Labcorp
Classification: Uncertain significance. Last evaluated: 2024-12-18. Review status: criteria provided, single submitter. Criteria: Invitae Variant Classification Sherloc (09022015). Collection method: clinical testing. Allele origin: germline.
Comment: This sequence change replaces proline, which is neutral and non-polar, with leucine, which is neutral and non-polar, at codon 74 of the RBM10 protein (p.Pro74Leu). This variant is present in population databases (rs782698715, gnomAD 0.007%). This variant has not been reported in the literature in individuals affected with RBM10-related conditions. ClinVar contains an entry for this variant (Variation ID: 2512355). An algorithm developed to predict the effect of missense changes on protein structure and function (PolyPhen-2) suggests that this variant is likely to be tolerated. In summary, the available evidence is currently insufficient to determine the role of this variant in disease. Therefore, it has been classified as a Variant of Uncertain Significance.

Ambry Genetics
Classification: Uncertain significance for Inborn genetic diseases. Last evaluated: 2023-06-14. Review status: criteria provided, single submitter. Criteria: Ambry Variant Classification Scheme 2023. Collection method: clinical testing. Allele origin: germline.

NM_005676.5(RBM10):c.221C>T (p.Pro74Leu)

Gene: RBM10 (RNA binding motif protein 10; plus strand). Cytogenetic location: Xp11.3.
Variant type: single nucleotide variant.
Coding change: c.221C>T on transcript NM_005676.5 (MANE Select); coding-DNA position 221, C replaced by T.
Protein change: p.Pro74Leu; replaces proline 74 with leucine.
Molecular consequence: missense variant. On other transcripts: intron variant (2).
Genome position (GRCh38, 1-based): chrX:47,171,047, C>T. VCF-style: chrX-47171047-C-T. GRCh37 (hg19) VCF-style: chrX-47030446-C-T.
Other names: c.221C>T, p.Pro74Leu (NM_001204467.2); c.416C>T, p.Pro139Leu (NM_001204468.2); c.201+1549C>T (NM_001204466.2, NM_152856.3); short protein forms P74L, P139L.
Identifiers: ClinVar variation 2512355 (VCV002512355.4), dbSNP rs782698715, ClinGen allele CA10395068.